The following is an entry in ClinVar:

NM_001130438.3(SPTAN1):c.1710C>T (p.Ala570=)

Gene: SPTAN1 (spectrin alpha, non-erythrocytic 1; plus strand). Cytogenetic location: 9q34.11.
Variant type: single nucleotide variant.
Coding change: c.1710C>T on transcript NM_001130438.3 (MANE Select); coding-DNA position 1710, C replaced by T.
Protein change: p.Ala570=; no amino-acid change (alanine 570 retained).
Molecular consequence: synonymous variant.
Genome position (GRCh38, 1-based): chr9:128,582,753, C>T. VCF-style: chr9-128582753-C-T. GRCh37 (hg19) VCF-style: chr9-131345032-C-T.
Other names: p.A570A:GCC>GCT; p.Ala570=; c.1710C>T, p.Ala570= (NM_001195532.2, NM_001363759.2, NM_001363765.2 and 1 more transcripts).
Identifiers: ClinVar variation 139271 (VCV000139271.26), dbSNP rs115428827, ClinGen allele CA173546.

ClinVar aggregate classification (germline): Benign/Likely benign. Review status: criteria provided, multiple submitters, no conflicts (2 of 4 stars). 9 submissions from 9 submitters: Benign (8); Likely benign (1). Last evaluated 2026-01-28.

Conditions:
Early-infantile DEE. Also called: Early infantile epileptic encephalopathy with suppression bursts; Early infantile epileptic encephalopathy; Ohtahara syndrome. Identifiers: Orphanet 1934, MedGen C0393706, MONDO:0800491.
Inborn genetic diseases. Identifiers: MedGen C0950123, MeSH D030342.
Developmental and epileptic encephalopathy, 5 (DEE5). Identifiers: Orphanet 3451, MedGen C3150731, MONDO:0013277, OMIM 613477.

Allele frequency attached by ClinVar (database versions not stated): gnomAD exomes 0.00133; ExAC 0.00166; gnomAD 0.00507 and 0.00551; 1000 Genomes Project 30x 0.00531; 1000 Genomes Project 0.00539; TOPMed 0.00608; ESP Exome Variant Server 0.00784.
gnomAD v4.1: 1,593 of 1,614,020 alleles (0.099%); highest among the groups gnomAD compares: African/African-American, 1.9%; 12 homozygotes.

Submissions (9):

Labcorp Genetics (formerly Invitae), Labcorp
Classification: Benign for Early-infantile DEE. Last evaluated: 2026-01-28. Review status: criteria provided, single submitter. Criteria: Invitae Variant Classification Sherloc (09022015). Collection method: clinical testing. Allele origin: germline.

Mayo Clinic Laboratories, Mayo Clinic
Classification: Benign. Last evaluated: 2025-02-17. Review status: criteria provided, single submitter. Criteria: ACMG Guidelines, 2015. Collection method: clinical testing. Allele origin: germline. Observed: 3 variant alleles.
Comment: BA1, BP4, BP7

Blueprint Genetics
Classification: Likely benign. Last evaluated: 2024-10-09. Review status: criteria provided, single submitter. Criteria: ACMG Guidelines, 2015. Collection method: clinical testing. Allele origin: germline.

Genome-Nilou Lab
Classification: Benign for Developmental and epileptic encephalopathy, 5. Last evaluated: 2021-07-15. Review status: criteria provided, single submitter. Criteria: ACMG Guidelines, 2015. Collection method: clinical testing. Allele origin: germline. Affected: no.

Genetic Services Laboratory, University of Chicago
Classification: Benign. Last evaluated: 2017-04-26. Review status: criteria provided, single submitter. Criteria: ACMG Guidelines, 2015. Collection method: clinical testing. Allele origin: germline. Affected: no.

Ambry Genetics
Classification: Benign for Inborn genetic diseases. Last evaluated: 2016-08-11. Review status: criteria provided, single submitter. Criteria: Ambry Variant Classification Scheme 2023. Collection method: clinical testing. Allele origin: germline.

GeneDx
Classification: Benign. Last evaluated: 2013-09-05. Review status: criteria provided, single submitter. Criteria: GeneDx Variant Classification (06012015). Collection method: clinical testing. Allele origin: germline. Affected: yes.
Comment: This variant is considered likely benign or benign based on one or more of the following criteria: it is a conservative change, it occurs at a poorly conserved position in the protein, it is predicted to be benign by multiple in silico algorithms, and/or has population frequency not consistent with disease.

Breakthrough Genomics
Classification: Benign. Review status: criteria provided, single submitter. Criteria: ACMG Guidelines, 2015. Collection method: not provided. Allele origin: germline. Inheritance: Autosomal dominant inheritance. Affected: yes.

PreventionGenetics, part of Exact Sciences
Classification: Benign. Review status: criteria provided, single submitter. Criteria: ACMG Guidelines, 2015. Collection method: clinical testing. Allele origin: germline.